The following is an entry in ClinVar:

NM_003500.4(ACOX2):c.1090C>G (p.Leu364Val)

Gene: ACOX2 (acyl-CoA oxidase 2; minus strand). Cytogenetic location: 3p14.3.
Variant type: single nucleotide variant.
Coding change: c.1090C>G on transcript NM_003500.4 (MANE Select); coding-DNA position 1090, C replaced by G.
Protein change: p.Leu364Val; replaces leucine 364 with valine.
Molecular consequence: missense variant.
Genome position (GRCh38, 1-based): chr3:58,528,859, G>C on the plus strand (C>G on the coding strand, the complement: ACOX2 is on the minus strand). VCF-style: chr3-58528859-G-C. GRCh37 (hg19) VCF-style: chr3-58514586-G-C.
Other names: c.1090C>G (NM_003500.3); short protein forms L364V.
Identifiers: ClinVar variation 2194390 (VCV002194390.6), dbSNP rs145470450, ClinGen allele CA2472185.
Genomic context (GRCh38, chr3:58,528,859, plus strand): 5'-GCAGGAAGCTGAAGTCTTGGTTCAGAATGGCAGTGTAGGAGTGCTGGAAGAACTCCAAGA[G>C]GCTGACTGCCAGGAAATGGAAGGCATAACTGATGGCCAGCTGAGGAAAGAGTTTCTGCTG-3'
Protein context (NP_003491.1, residues 354-374): SYAFHFLAVS[Leu364Val]LEFFQHSYTA

ClinVar aggregate classification (germline): Uncertain significance. Review status: criteria provided, multiple submitters, no conflicts (2 of 4 stars). 2 submissions from 2 submitters: Uncertain significance (2). Last evaluated 2025-04-30.

Allele frequency attached by ClinVar (database versions not stated): TOPMed 0.00003; gnomAD 0.00004; ExAC 0.00007; ESP Exome Variant Server 0.00015.
gnomAD v4.1: 147 of 1,613,808 alleles (0.0091%); highest among the groups gnomAD compares: Non-Finnish European, 0.012%; no homozygotes.

Submissions (2):

Labcorp Genetics (formerly Invitae), Labcorp
Classification: Uncertain significance. Last evaluated: 2025-04-30. Review status: criteria provided, single submitter. Criteria: Invitae Variant Classification Sherloc (09022015). Collection method: clinical testing. Allele origin: germline.
Comment: This sequence change replaces leucine, which is neutral and non-polar, with valine, which is neutral and non-polar, at codon 364 of the ACOX2 protein (p.Leu364Val). This variant is present in population databases (rs145470450, gnomAD 0.02%). This variant has not been reported in the literature in individuals affected with ACOX2-related conditions. ClinVar contains an entry for this variant (Variation ID: 2194390). Invitae Evidence Modeling of protein sequence and biophysical properties (such as structural, functional, and spatial information, amino acid conservation, physicochemical variation, residue mobility, and thermodynamic stability) indicates that this missense variant is not expected to disrupt ACOX2 protein function with a negative predictive value of 80%. In summary, the available evidence is currently insufficient to determine the role of this variant in disease. Therefore, it has been classified as a Variant of Uncertain Significance.

Ambry Genetics
Classification: Uncertain significance. Last evaluated: 2023-06-06. Review status: criteria provided, single submitter. Criteria: Ambry Variant Classification Scheme 2023. Collection method: clinical testing. Allele origin: germline.